The following is an entry in ClinVar:

ClinVar aggregate classification (germline): Uncertain significance. Review status: criteria provided, multiple submitters, no conflicts (2 of 4 stars). 3 submissions from 3 submitters: Uncertain significance (3). Last evaluated 2024-08-06.

Conditions:
Hereditary cancer-predisposing syndrome. Also called: Tumor predisposition; Hereditary neoplastic syndrome; Neoplastic Syndromes, Hereditary; Hereditary Cancer Syndrome. Identifiers: Orphanet 140162, MedGen C0027672, MeSH D009386, MONDO:0015356.
Familial adenomatous polyposis 1 (FAP1). Also called: FAMILIAL ADENOMATOUS POLYPOSIS 1, ATTENUATED; POLYPOSIS, ADENOMATOUS INTESTINAL. Identifiers: MedGen C2713442, MONDO:0021056, OMIM 175100. Disease mechanism: loss of function.
Classic or attenuated familial adenomatous polyposis. Identifiers: MedGen CN372698, MONDO:0021057.

Submissions (3):

All of Us Research Program, National Institutes of Health
Classification: Uncertain significance for Classic or attenuated familial adenomatous polyposis. Last evaluated: 2024-08-06. Review status: criteria provided, single submitter. Criteria: ACMG Guidelines, 2015. Collection method: clinical testing. Allele origin: germline. Inheritance: Autosomal dominant inheritance. Observed: 1 variant allele, 1 heterozygote.
Comment: This study involves interpretation of variants in research participants for the purpose of population health screening. Participant phenotype was not available at the time of variant classification. Additional details can be found in publication PMID: 35346344, PMCID: PMC8962531

Ambry Genetics
Classification: Uncertain significance for Hereditary cancer-predisposing syndrome. Last evaluated: 2023-02-10. Review status: criteria provided, single submitter. Criteria: Ambry Variant Classification Scheme 2023. Collection method: clinical testing. Allele origin: germline.
Comment: The p.H492Q variant (also known as c.1476C>A), located in coding exon 11 of the APC gene, results from a C to A substitution at nucleotide position 1476. The histidine at codon 492 is replaced by glutamine, an amino acid with highly similar properties. This amino acid position is highly conserved in available vertebrate species. In addition, in silico predictors for this gene do not accurately predict pathogenicity. Since supporting evidence is limited at this time, the clinical significance of this alteration remains unclear.

Labcorp Genetics (formerly Invitae), Labcorp
Classification: Uncertain significance for Familial adenomatous polyposis 1. Last evaluated: 2019-07-05. Review status: criteria provided, single submitter. Criteria: Invitae Variant Classification Sherloc (09022015). Collection method: clinical testing. Allele origin: germline.
Comment: This sequence change replaces histidine with glutamine at codon 492 of the APC protein (p.His492Gln). The histidine residue is highly conserved and there is a small physicochemical difference between histidine and glutamine. This variant is not present in population databases (ExAC no frequency). This variant has not been reported in the literature in individuals with APC-related conditions. Algorithms developed to predict the effect of missense changes on protein structure and function are either unavailable or do not agree on the potential impact of this missense change (SIFT: "Deleterious"; PolyPhen-2: "Benign"; Align-GVGD: "Class C0"). In summary, the available evidence is currently insufficient to determine the role of this variant in disease. Therefore, it has been classified as a Variant of Uncertain Significance.

NM_000038.6(APC):c.1476C>A (p.His492Gln)

Gene: APC (APC regulator of Wnt signaling pathway; plus strand). Cytogenetic location: 5q22.2.
Variant type: single nucleotide variant.
Coding change: c.1476C>A on transcript NM_000038.6 (MANE Select); coding-DNA position 1476, C replaced by A.
Protein change: p.His492Gln; replaces histidine 492 with glutamine.
Molecular consequence: missense variant.
Genome position (GRCh38, 1-based): chr5:112,827,175, C>A. VCF-style: chr5-112827175-C-A. GRCh37 (hg19) VCF-style: chr5-112162872-C-A.
Other names: c.1476C>A, p.His492Gln (NM_001127510.3, NM_001354895.2); c.1422C>A, p.His474Gln (NM_001127511.3); c.1530C>A, p.His510Gln (NM_001354896.2); c.1506C>A, p.His502Gln (NM_001354897.2); c.1401C>A, p.His467Gln (NM_001354898.2); c.1392C>A, p.His464Gln (NM_001354899.2); c.1353C>A, p.His451Gln (NM_001354900.2); c.1299C>A, p.His433Gln (NM_001354901.2); and 5 more; short protein forms H391Q, H474Q, H502Q, H209Q, H451Q, H464Q, H467Q, H492Q.
Identifiers: ClinVar variation 819308 (VCV000819308.17), dbSNP rs1580565146, ClinGen allele CA16024538.